The following is an entry in ClinVar:

NM_007294.4(BRCA1):c.2600A>C (p.Gln867Pro)

Gene: BRCA1 (BRCA1 DNA repair associated; minus strand). Cytogenetic location: 17q21.31.
Variant type: single nucleotide variant.
Coding change: c.2600A>C on transcript NM_007294.4 (MANE Select); coding-DNA position 2600, A replaced by C.
Protein change: p.Gln867Pro; replaces glutamine 867 with proline.
Molecular consequence: missense variant. On other transcripts: intron variant (137).
Genome position (GRCh38, 1-based): chr17:43,092,931, T>G on the plus strand (A>C on the coding strand, the complement: BRCA1 is on the minus strand). VCF-style: chr17-43092931-T-G. GRCh37 (hg19) VCF-style: chr17-41244948-T-G.
Other names: c.2522A>C, p.Gln841Pro (NM_001407663.1, NM_001407653.1, NM_001407654.1 and 4 more transcripts); c.2477A>C, p.Gln826Pro (NM_001407664.1, NM_001407665.1, NM_001407666.1 and 19 more transcripts); c.2474A>C, p.Gln825Pro (NM_001407670.1, NM_001407671.1, NM_001407672.1 and 11 more transcripts); c.2600A>C, p.Gln867Pro (NM_001407684.1, NM_001407581.1, NM_001407582.1 and 30 more transcripts); c.2459A>C, p.Gln820Pro (NM_001407692.1, NM_001407694.1, NM_001407695.1 and 29 more transcripts); c.2456A>C, p.Gln819Pro (NM_001407740.1, NM_001407741.1, NM_001407742.1 and 20 more transcripts); c.2387A>C, p.Gln796Pro (NM_001407571.1, NM_001407853.1, NM_001407894.1 and 9 more transcripts); c.2597A>C, p.Gln866Pro (NM_001407587.1, NM_001407590.1, NM_001407591.1 and 22 more transcripts); and 41 more; short protein forms Q571P, Q699P, Q739P, Q740P, Q755P, Q756P, Q778P, Q779P.
Identifiers: ClinVar variation 4800845 (VCV004800845.1).
Genomic context (GRCh38, chr17:43,092,931, plus strand): 5'-GCAGAGAATGTTGCACATTCCTCTTCTGCATTTCCTGGATTTGAAAACGGAGCAAATGAC[T>G]GGCGCTTTGAAACCTTGAATGTATTCTGCAAATACTGAGCATCAAGTTCACTTTCTTCCA-3'
Protein context (NP_009225.1, residues 857-877): LQNTFKVSKR[Gln867Pro]SFAPFSNPGN

ClinVar aggregate classification (germline): Uncertain significance (1 of 4 stars; one submission).

Conditions:
Hereditary breast ovarian cancer syndrome. Also called: Hereditary breast and ovarian cancer syndrome (HBOC); Hereditary breast and ovarian cancer; Breast and ovarian cancer; Hereditary breast and/or ovarian cancer syndrome; BRCA1- and BRCA2-Associated Hereditary Breast and Ovarian Cancer; Hereditary breast and ovarian cancer syndrome. Identifiers: Orphanet 145, MedGen C0677776, MeSH D061325, MONDO:0003582. Disease mechanism: loss of function.

Submission:

Labcorp Genetics (formerly Invitae), Labcorp
Classification: Uncertain significance for Hereditary breast ovarian cancer syndrome. Last evaluated: 2025-04-20. Review status: criteria provided, single submitter. Criteria: Invitae Variant Classification Sherloc (09022015). Collection method: clinical testing. Allele origin: germline.
Comment: This sequence change replaces glutamine, which is neutral and polar, with proline, which is neutral and non-polar, at codon 867 of the BRCA1 protein (p.Gln867Pro). This variant is not present in population databases (gnomAD no frequency). This variant has not been reported in the literature in individuals affected with BRCA1-related conditions. Invitae Evidence Modeling of protein sequence and biophysical properties (such as structural, functional, and spatial information, amino acid conservation, physicochemical variation, residue mobility, and thermodynamic stability) indicates that this missense variant is expected to disrupt BRCA1 protein function with a positive predictive value of 80%. In summary, the available evidence is currently insufficient to determine the role of this variant in disease. Therefore, it has been classified as a Variant of Uncertain Significance.